The following is an entry in ClinVar:

NM_000059.4(BRCA2):c.7969A>T (p.Lys2657Ter)

Gene: BRCA2 (BRCA2 DNA repair associated; plus strand). Cytogenetic location: 13q13.1.
Variant type: single nucleotide variant.
Coding change: c.7969A>T on transcript NM_000059.4 (MANE Select); coding-DNA position 7969, A replaced by T.
Protein change: p.Lys2657Ter; replaces lysine 2657 with a stop codon.
Molecular consequence: nonsense.
Genome position (GRCh38, 1-based): chr13:32,362,686, A>T. VCF-style: chr13-32362686-A-T. GRCh37 (hg19) VCF-style: chr13-32936823-A-T.
Other names: c.7969A>T (NM_000059.3); short protein forms K2657*.
Identifiers: ClinVar variation 2159523 (VCV002159523.6), dbSNP rs2137577993, ClinGen allele CA387747327.

ClinVar aggregate classification (germline): Pathogenic. Review status: criteria provided, multiple submitters, no conflicts (2 of 4 stars). 3 submissions from 3 submitters: Pathogenic (3). Last evaluated 2025-06-20.

Conditions:
Hereditary breast ovarian cancer syndrome. Also called: Breast and ovarian cancer; BRCA1- and BRCA2-Associated Hereditary Breast and Ovarian Cancer; Hereditary breast and ovarian cancer; Hereditary breast and/or ovarian cancer syndrome; Hereditary breast and ovarian cancer syndrome; Hereditary breast and ovarian cancer syndrome (HBOC). Identifiers: Orphanet 145, MedGen C0677776, MeSH D061325, MONDO:0003582. Disease mechanism: loss of function.

Allele frequency attached by ClinVar (database versions not stated): gnomAD exomes below 0.00001.
gnomAD v4.1: 1 of 1,614,158 alleles (0.000062%); highest among the groups gnomAD compares: East Asian, 0.0022%; no homozygotes.

Submissions (3):

Quest Diagnostics Nichols Institute San Juan Capistrano
Classification: Pathogenic. Last evaluated: 2025-06-20. Review status: criteria provided, single submitter. Criteria: Quest Diagnostics criteria. Collection method: clinical testing. Allele origin: unknown.
Comment: The BRCA2 c.7969A>T (p.Lys2657*) variant causes the premature termination of BRCA2 protein synthesis. This variant has been reported in the published literature in two individuals from the same family affected with Pancreatic acinar cell carcinoma (PACC) and bile duct cancer (BDC) (PMID: 37078954 (2022)). This variant has also been reported in an individual with breast cancer (PMID: 30287823 (2018)) and was classified as pathogenic in saturation genome editing assays measuring DNA repair-dependent cell survival (PMIDs: 39779848 (2025)). This variant has not been reported in large, multi-ethnic general populations (Genome Aggregation Database). Based on the available information, this variant is classified as pathogenic.

Labcorp Genetics (formerly Invitae), Labcorp
Classification: Pathogenic for Hereditary breast ovarian cancer syndrome. Last evaluated: 2025-05-27. Review status: criteria provided, single submitter. Criteria: Invitae Variant Classification Sherloc (09022015). Collection method: clinical testing. Allele origin: germline.
Comment: This sequence change creates a premature translational stop signal (p.Lys2657*) in the BRCA2 gene. It is expected to result in an absent or disrupted protein product. Loss-of-function variants in BRCA2 are known to be pathogenic (PMID: 20104584). This variant is not present in population databases (gnomAD no frequency). This premature translational stop signal has been observed in individual(s) with breast cancer (PMID: 30287823). ClinVar contains an entry for this variant (Variation ID: 2159523). For these reasons, this variant has been classified as Pathogenic.

Women's Health and Genetics/Laboratory Corporation of America, LabCorp
Classification: Pathogenic for Hereditary breast ovarian cancer syndrome. Last evaluated: 2023-11-08. Review status: criteria provided, single submitter. Criteria: LabCorp Variant Classification Summary - May 2015. Collection method: clinical testing. Allele origin: germline.
Comment: Variant summary: BRCA2 c.7969A>T (p.Lys2657X) results in a premature termination codon, predicted to cause a truncation of the encoded protein or absence of the protein due to nonsense mediated decay, which are commonly known mechanisms for disease. Variants downstream of this position have been classified as pathogenic by our laboratory. The variant was absent in 251134 control chromosomes (gnomAD). c.7969A>T has been reported in the literature in at-least one individual affected with Hereditary Breast And Ovarian Cancer Syndrome (example: Momozawa_2018). The following publication has been ascertained in the context of this evaluation (PMID: 30287823). One submitter has cited clinical-significance assessments for this variant to ClinVar after 2014 and has classified the variant as pathogenic. Based on the evidence outlined above, the variant was classified as pathogenic.

Literature cited by the submitters: PubMed 30287823 (cited by 3 submitters); PubMed 37078954 (cited by Quest Diagnostics Nichols Institute San Juan Capistrano); PubMed 39779848 (cited by Quest Diagnostics Nichols Institute San Juan Capistrano); PubMed 20104584 (cited by Labcorp Genetics (formerly Invitae), Labcorp).